The following is an entry in ClinVar:

ClinVar aggregate classification (germline): Uncertain significance (1 of 4 stars; one submission).

Conditions:
Hereditary cancer-predisposing syndrome. Also called: Neoplastic Syndromes, Hereditary; Tumor predisposition; Hereditary Cancer Syndrome; Hereditary neoplastic syndrome. Identifiers: Orphanet 140162, MedGen C0027672, MeSH D009386, MONDO:0015356.

Submission:

Ambry Genetics
Classification: Uncertain significance for Hereditary cancer-predisposing syndrome. Last evaluated: 2022-08-01. Review status: criteria provided, single submitter. Criteria: Ambry Variant Classification Scheme 2023. Collection method: clinical testing. Allele origin: germline.
Comment: The p.S110R variant (also known as c.328A>C), located in coding exon 2 of the RET gene, results from an A to C substitution at nucleotide position 328. The serine at codon 110 is replaced by arginine, an amino acid with dissimilar properties. This amino acid position is conserved. In addition, this alteration is predicted to be tolerated by in silico analysis. Since supporting evidence is limited at this time, the clinical significance of this alteration remains unclear.

NM_020975.6(RET):c.328A>C (p.Ser110Arg)

Gene: RET (ret proto-oncogene; plus strand). Cytogenetic location: 10q11.21.
Variant type: single nucleotide variant.
Coding change: c.328A>C on transcript NM_020975.6 (MANE Select); coding-DNA position 328, A replaced by C.
Protein change: p.Ser110Arg; replaces serine 110 with arginine.
Molecular consequence: missense variant.
Genome position (GRCh38, 1-based): chr10:43,100,713, A>C. VCF-style: chr10-43100713-A-C. GRCh37 (hg19) VCF-style: chr10-43596161-A-C.
Other names: c.328A>C, p.Ser110Arg (NM_000323.2, NM_001406743.1, NM_001406744.1 and 34 more transcripts); short protein forms S110R.
Identifiers: ClinVar variation 1729813 (VCV001729813.2), dbSNP rs1217222362, ClinGen allele CA376770583.